The following is an entry in ClinVar:

ClinVar aggregate classification (germline): Uncertain significance. Review status: criteria provided, multiple submitters, no conflicts (2 of 4 stars). 2 submissions from 2 submitters: Uncertain significance (2). Last evaluated 2026-07-30.

Conditions:
Pheochromocytoma/paraganglioma syndrome 3. Also called: SDHC-Related Hereditary Paraganglioma-Pheochromocytoma Syndrome (Paragangliomas 3); SDHC-Related Hereditary Paraganglioma-Pheochromocytoma Syndrome; GLOMUS TUMORS, FAMILIAL, 3; Paragangliomas 3. Identifiers: Orphanet 29072, MedGen C1854336, MONDO:0011544, OMIM 605373.
Gastrointestinal stromal tumor. Also called: Gastrointestinal stromal tumor, somatic; Gastrointestinal stroma tumor. Identifiers: Orphanet 44890, MedGen C0238198, MeSH D046152, MONDO:0011719, OMIM 606764, HP:0100723.
Hereditary cancer-predisposing syndrome. Also called: Hereditary Cancer Syndrome; Tumor predisposition; Neoplastic Syndromes, Hereditary; Hereditary neoplastic syndrome. Identifiers: Orphanet 140162, MedGen C0027672, MeSH D009386, MONDO:0015356.

Submissions (2):

Ambry Genetics
Classification: Uncertain significance for Hereditary cancer-predisposing syndrome. Last evaluated: 2026-07-30. Review status: criteria provided, single submitter. Criteria: Ambry Variant Classification Scheme 2023. Collection method: clinical testing. Allele origin: germline.
Comment: The p.K44E variant (also known as c.130A>G), located in coding exon 3 of the SDHC gene, results from an A to G substitution at nucleotide position 130. The lysine at codon 44 is replaced by glutamic acid, an amino acid with similar properties. This amino acid position is highly conserved in available vertebrate species. In addition, this alteration is predicted to be deleterious by in silico analysis. Based on the available evidence, the clinical significance of this variant remains unclear.

Labcorp Genetics (formerly Invitae), Labcorp
Classification: Uncertain significance for Pheochromocytoma/paraganglioma syndrome 3; Gastrointestinal stromal tumor. Last evaluated: 2024-12-12. Review status: criteria provided, single submitter. Criteria: Invitae Variant Classification Sherloc (09022015). Collection method: clinical testing. Allele origin: germline.
Comment: This sequence change replaces lysine, which is basic and polar, with glutamic acid, which is acidic and polar, at codon 44 of the SDHC protein (p.Lys44Glu). This variant is not present in population databases (gnomAD no frequency). This variant has not been reported in the literature in individuals affected with SDHC-related conditions. ClinVar contains an entry for this variant (Variation ID: 1518983). An algorithm developed to predict the effect of missense changes on protein structure and function (PolyPhen-2) suggests that this variant is likely to be disruptive. In summary, the available evidence is currently insufficient to determine the role of this variant in disease. Therefore, it has been classified as a Variant of Uncertain Significance.

NM_003001.5(SDHC):c.130A>G (p.Lys44Glu)

Gene: SDHC (succinate dehydrogenase complex subunit C; plus strand). Cytogenetic location: 1q23.3.
Variant type: single nucleotide variant.
Coding change: c.130A>G on transcript NM_003001.5 (MANE Select); coding-DNA position 130, A replaced by G.
Protein change: p.Lys44Glu; replaces lysine 44 with glutamic acid.
Molecular consequence: missense variant. On other transcripts: non-coding transcript variant (1), intron variant (4).
Genome position (GRCh38, 1-based): chr1:161,328,448, A>G. VCF-style: chr1-161328448-A-G. GRCh37 (hg19) VCF-style: chr1-161298238-A-G.
Other names: c.73A>G, p.Lys25Glu (NM_001407117.1, NM_001407121.1, NM_001407116.1); c.19A>G, p.Lys7Glu (NM_001407119.1, NM_001407120.1); c.77+4778A>G (NM_001035512.3, NM_001278172.3, NM_001407118.1); c.21-12146A>G (NM_001035513.3); c.130A>G, p.Lys44Glu (NM_001035511.3, NM_001407115.1); short protein forms K44E, K7E, K25E.
Identifiers: ClinVar variation 1518983 (VCV001518983.11), dbSNP rs2102307825, ClinGen allele CA343361123.